The following is an entry in ClinVar:

NM_000152.5(GAA):c.701C>A (p.Thr234Lys)

Gene: GAA (alpha glucosidase; plus strand). Cytogenetic location: 17q25.3.
Variant type: single nucleotide variant.
Coding change: c.701C>A on transcript NM_000152.5 (MANE Select); coding-DNA position 701, C replaced by A.
Protein change: p.Thr234Lys; replaces threonine 234 with lysine.
Molecular consequence: missense variant.
Genome position (GRCh38, 1-based): chr17:80,107,565, C>A. VCF-style: chr17-80107565-C-A. GRCh37 (hg19) VCF-style: chr17-78081364-C-A.
Other names: c.701C>A, p.Thr234Lys (NM_001079803.3, NM_001079804.3, NM_001406741.1 and 1 more transcripts); short protein forms T234K.
Identifiers: ClinVar variation 4817596 (VCV004817596.3).
Genomic context (GRCh38, chr17:80,107,565, plus strand): 5'-GCTCGTGTGGCCCCTTGGGTGTGAGCAAGCCTGGCTGGCCTCTGTCCCGCAGGCTGAACA[C>A]GACGGTGGCGCCCCTGTTCTTTGCGGACCAGTTCCTTCAGCTGTCCACCTCGCTGCCCTC-3'
Protein context (NP_000143.2, residues 224-244): RQLDGRVLLN[Thr234Lys]TVAPLFFADQ

ClinVar aggregate classification (germline): Likely pathogenic. Review status: criteria provided, multiple submitters, no conflicts (2 of 4 stars). 3 submissions from 3 submitters: Likely pathogenic (3). Last evaluated 2026-07-01.

Conditions:
Glycogen storage disease, type II (IOPD). Also called: CARDIOMEGALIA GLYCOGENICA DIFFUSA; GLYCOGENOSIS, GENERALIZED, CARDIAC FORM; GSD II; Glycogen storage disease type 2; Acid maltase deficiency disease; Aglucosidase alfa. Identifiers: Orphanet 365, MedGen C0017921, MONDO:0009290, OMIM 232300.

Submissions (3):

Genomenon, Inc
Classification: Likely pathogenic for Glycogen storage disease, type II. Last evaluated: 2026-07-01. Review status: criteria provided, single submitter. Criteria: Genomenon Sequence Variant Interpretation Standards - Updated. Collection method: curation. Allele origin: germline. Affected: yes.
Comment: GAA p.Thr234Lys (c.701C>A) is a missense variant that changes the amino acid at codon 234 from Threonine to Lysine. This variant has been observed in at least one proband with a GAA-related disorder in the compound heterozygous and/or homozygous state (PMID:34852371;22676651). At least one functional study has demonstrated a substantial alteration in protein function relative to the wild-type (PMID:22644586). It is absent or not present at a significant frequency in gnomAD. In silico models predict that this variant is possibly or probably damaging. In conclusion, we classify GAA p.Thr234Lys (c.701C>A) as a likely pathogenic variant.

Myriad Genetics, Inc.
Classification: Likely pathogenic for Glycogen storage disease, type II. Last evaluated: 2026-05-27. Review status: criteria provided, single submitter. Criteria: Myriad Autosomal Dominant, Autosomal Recessive and X-Linked Classification Criteria (2023). Collection method: clinical testing. Allele origin: unknown.
Comment: NM_000152.3(GAA):c.701C>A(T234K) is a missense variant classified as likely pathogenic in the context of Pompe disease. T234K has been observed in a case with relevant disease (PMID: 34852371, 27568896). Relevant functional assessments of this variant are available in the literature (PMID: 22644586, 31228295). T234K has not been observed in referenced population frequency databases. In summary, NM_000152.3(GAA):c.701C>A(T234K) is a missense variant that has functional support for pathogenicity and has been observed more frequently in cases with the relevant disease than in healthy populations. Please note: this variant was assessed in the context of healthy population screening.

Natera, Inc.
Classification: Likely pathogenic for Glycogen storage disease type II. Last evaluated: 2025-03-04. Review status: criteria provided, single submitter. Criteria: Natera Variant Classification Schema (03/2026). Collection method: clinical testing. Allele origin: germline.
Comment: The c.701C>A variant in GAA is a missense variant predicted to cause substitution of threonine to lysine at amino acid 234. This variant is rare in the general population with a frequency below the threshold expected for the associated phenotype(s). This variant has been observed in one or more individuals affected with the associated recessive disease, as either homozygous or compound heterozygous with a second variant (PMID: 22676651, 27568896, 34852371). Functional studies show that this variant may disrupt protein function (PMID: 22644586). Computational prediction algorithms indicate this variant is likely to affect gene or protein function. Given the available evidence, this variant is classified as Likely Pathogenic.

Literature cited by the submitters: PubMed 34852371 (cited by 3 submitters); PubMed 22676651 (cited by Genomenon, Inc and Natera, Inc.); PubMed 22644586 (cited by 3 submitters); PubMed 27568896 (cited by Myriad Genetics, Inc. and Natera, Inc.); PubMed 31228295 (cited by Myriad Genetics, Inc.).